The following is an entry in ClinVar:

NM_001114753.3(ENG):c.1208_1221del (p.Phe403fs)

Genes: ENG (endoglin; minus strand), LOC102723566 (uncharacterized LOC102723566; plus strand). Cytogenetic location: 9q34.11.
Variant type: Deletion.
Coding change: c.1208_1221del on transcript NM_001114753.3 (MANE Select); coding-DNA positions 1208 to 1221, 14 bases deleted (TTGTCTTGCGCAGT).
Protein change: p.Phe403fs; shifts the reading frame from phenylalanine 403.
Molecular consequence: frameshift variant.
Genome position (GRCh38, 1-based): chr9:127,819,951-127,819,964, ACTGCGCAAGACAA deleted on the plus strand (TTGTCTTGCGCAGT on the coding strand, the reverse complement: ENG is on the minus strand); deleting any 14 consecutive bases within chr9:127,819,951-127,819,967 gives the same sequence; the c. name uses the placement nearest the transcript's 3' end. VCF-style (leftmost placement, unchanged base first): chr9-127819950-CACTGCGCAAGACAA-C. GRCh37 (hg19) VCF-style: chr9-130582229-CACTGCGCAAGACAA-C.
Other names: c.1208_1221del, p.Phe403fs (NM_000118.4); c.662_675del, p.Phe221fs (NM_001278138.2); short protein forms F221fs, F403fs.
Identifiers: ClinVar variation 5035962 (VCV005035962.1).

ClinVar aggregate classification (germline): Pathogenic (1 of 4 stars; one submission).

Conditions:
Cardiovascular phenotype. Identifiers: MedGen CN230736.

Submission:

Ambry Genetics
Classification: Pathogenic for Cardiovascular phenotype. Last evaluated: 2026-07-22. Review status: criteria provided, single submitter. Criteria: Ambry Variant Classification Scheme 2023. Collection method: clinical testing. Allele origin: germline.
Comment: The c.1208_1221del14 pathogenic mutation, located in coding exon 9 of the ENG gene, results from a deletion of 14 nucleotides at nucleotide positions 1208 to 1221, causing a translational frameshift with a predicted alternate stop codon (p.F403Cfs*17). This variant is considered to be rare based on population cohorts in the Genome Aggregation Database (gnomAD). This alteration is expected to result in loss of function by premature protein truncation or nonsense-mediated mRNA decay. As such, this alteration is interpreted as a disease-causing mutation.